The following is an entry in ClinVar:

ClinVar aggregate classification (germline): Uncertain significance (1 of 4 stars; one submission).

Conditions:
Epidermolysis bullosa simplex 3, localized or generalized intermediate, with BP230 deficiency (EBS3). Also called: Epidermolysis bullosa simplex, autosomal recessive 2; Epidermolysis bullosa simplex due to BP230 deficiency. Identifiers: Orphanet 412181, MedGen C3809470, MONDO:0014180, OMIM 615425.
Hereditary sensory and autonomic neuropathy type 6. Also called: Neuropathy, hereditary sensory and autonomic, type VI; HSAN VI. Identifiers: Orphanet 314381, MedGen C3539003, MONDO:0013839, OMIM 614653.

Submission:

Labcorp Genetics (formerly Invitae), Labcorp
Classification: Uncertain significance for Epidermolysis bullosa simplex 3, localized or generalized intermediate, with BP230 deficiency; Hereditary sensory and autonomic neuropathy type 6. Last evaluated: 2022-04-01. Review status: criteria provided, single submitter. Criteria: Invitae Variant Classification Sherloc (09022015). Collection method: clinical testing. Allele origin: germline.
Comment: In summary, the available evidence is currently insufficient to determine the role of this variant in disease. Therefore, it has been classified as a Variant of Uncertain Significance. Experimental studies and prediction algorithms are not available or were not evaluated, and the functional significance of this variant is currently unknown. This variant has not been reported in the literature in individuals affected with DST-related conditions. This variant is not present in population databases (gnomAD no frequency). This sequence change replaces alanine, which is neutral and non-polar, with valine, which is neutral and non-polar, at codon 4143 of the DST protein (p.Ala4143Val). The DST gene has multiple clinically relevant transcripts. This variant occurs in alternate transcript NM_015548.4, and corresponds to NM_001723.5:c.*121410C>T in the primary transcript.

NM_001374736.1(DST):c.20297C>T (p.Ala6766Val)

Gene: DST (dystonin; minus strand). Cytogenetic location: 6p12.1.
Variant type: single nucleotide variant.
Coding change: c.20297C>T on transcript NM_001374736.1 (MANE Select); coding-DNA position 20297, C replaced by T.
Protein change: p.Ala6766Val; replaces alanine 6766 with valine.
Molecular consequence: missense variant.
Genome position (GRCh38, 1-based): chr6:56,494,107, G>A on the plus strand (C>T on the coding strand, the complement: DST is on the minus strand). VCF-style: chr6-56494107-G-A. GRCh37 (hg19) VCF-style: chr6-56358905-G-A.
Other names: c.13940C>T, p.Ala4647Val (NM_001144769.5); c.13526C>T, p.Ala4509Val (NM_001144770.2); c.20297C>T, p.Ala6766Val (NM_001374722.1); c.19337C>T, p.Ala6446Val (NM_001374729.1); c.13079C>T, p.Ala4360Val (NM_001374730.1); c.20324C>T, p.Ala6775Val (NM_001374734.1); c.13406C>T, p.Ala4469Val (NM_001386100.1, NM_183380.4); c.12428C>T, p.Ala4143Val (NM_015548.5); short protein forms A6766V, A4647V, A4143V, A4360V, A4509V, A4469V, A6446V, A6775V.
Identifiers: ClinVar variation 2120412 (VCV002120412.4), dbSNP rs2533984979, ClinGen allele CA364517616.